The following is an entry in ClinVar:

ClinVar aggregate classification (germline): Uncertain significance (1 of 4 stars; one submission).

Allele frequency attached by ClinVar (database versions not stated): gnomAD 0.00001.
gnomAD v4.1: 3 of 1,613,868 alleles (0.00019%); highest among the groups gnomAD compares: South Asian, 0.0033%; no homozygotes.

Submission:

Labcorp Genetics (formerly Invitae), Labcorp
Classification: Uncertain significance. Last evaluated: 2022-03-02. Review status: criteria provided, single submitter. Criteria: Invitae Variant Classification Sherloc (09022015). Collection method: clinical testing. Allele origin: germline.
Comment: In summary, the available evidence is currently insufficient to determine the role of this variant in disease. Therefore, it has been classified as a Variant of Uncertain Significance. Algorithms developed to predict the effect of missense changes on protein structure and function are either unavailable or do not agree on the potential impact of this missense change (SIFT: "Deleterious"; PolyPhen-2: "Benign"; Align-GVGD: "Class C0"). This variant has not been reported in the literature in individuals affected with FAT1-related conditions. This variant is not present in population databases (gnomAD no frequency). This sequence change replaces proline, which is neutral and non-polar, with leucine, which is neutral and non-polar, at codon 3688 of the FAT1 protein (p.Pro3688Leu).

NM_005245.4(FAT1):c.11063C>T (p.Pro3688Leu)

Genes: FAT1 (FAT atypical cadherin 1; minus strand), LOC126807254 (BRD4-independent group 4 enhancer GRCh37_chr4:187524269-187525468; plus strand). Cytogenetic location: 4q35.2.
Variant type: single nucleotide variant.
Coding change: c.11063C>T on transcript NM_005245.4 (MANE Select); coding-DNA position 11063, C replaced by T.
Protein change: p.Pro3688Leu; replaces proline 3688 with leucine.
Molecular consequence: missense variant.
Genome position (GRCh38, 1-based): chr4:186,603,463, G>A on the plus strand (C>T on the coding strand, the complement: FAT1 is on the minus strand). VCF-style: chr4-186603463-G-A. GRCh37 (hg19) VCF-style: chr4-187524617-G-A.
Other names: short protein forms P3688L.
Identifiers: ClinVar variation 2105664 (VCV002105664.4), dbSNP rs761333177, ClinGen allele CA358974450.
Genomic context (GRCh38, chr4:186,603,463, plus strand): 5'-GTTGAGATCTGAGCACTACCTGGTTTCTCTACAAAAAGTAAGACGTCCAGATGTGGGTGA[G>A]GTTCAGAGGACTGCAAACTAACAATCTGTATGTCGTTCCTCCTCACACCCAGGATGTTCC-3'
Protein context (NP_005236.2, residues 3678-3698): IQIVSLQSSE[Pro3688Leu]HPHLDVLLFV